The following is an entry in ClinVar:

NM_000214.3(JAG1):c.1056G>C (p.Lys352Asn)

Gene: JAG1 (jagged canonical Notch ligand 1; minus strand). Cytogenetic location: 20p12.2.
Variant type: single nucleotide variant.
Coding change: c.1056G>C on transcript NM_000214.3 (MANE Select); coding-DNA position 1056, G replaced by C.
Protein change: p.Lys352Asn; replaces lysine 352 with asparagine.
Molecular consequence: missense variant.
Genome position (GRCh38, 1-based): chr20:10,651,645, C>G on the plus strand (G>C on the coding strand, the complement: JAG1 is on the minus strand). VCF-style: chr20-10651645-C-G. GRCh37 (hg19) VCF-style: chr20-10632293-C-G.
Other names: short protein forms K352N.
Identifiers: ClinVar variation 1722845 (VCV001722845.3), dbSNP rs2514520747, ClinGen allele CA408238773.

ClinVar aggregate classification (germline): Uncertain significance. Review status: criteria provided, multiple submitters, no conflicts (2 of 4 stars). 2 submissions from 2 submitters: Uncertain significance (2). Last evaluated 2022-05-02.

Conditions:
Alagille syndrome due to a JAG1 point mutation. Also called: Alagille Syndrome 1; JAG1-Related Alagille Syndrome; HEPATIC DUCTULAR HYPOPLASIA, SYNDROMATIC. Identifiers: Orphanet 261619, Orphanet 52, MedGen C1956125, MONDO:0016862, OMIM 118450.
Deafness, congenital heart defects, and posterior embryotoxon (DCHE). Identifiers: MedGen C1866053, MONDO:0060713, OMIM 617992.
Tetralogy of Fallot (TOF). Identifiers: Orphanet 3303, MedGen C0039685, MONDO:0008542, OMIM 187500, HP:0001636.
Charcot-Marie-Tooth disease, axonal, Type 2HH. Also called: CHARCOT-MARIE-TOOTH NEUROPATHY, TYPE 2HH. Identifiers: MedGen C5562003, MONDO:0030458, OMIM 619574.

Submissions (2):

GeneDx
Classification: Uncertain significance. Last evaluated: 2022-05-02. Review status: criteria provided, single submitter. Criteria: GeneDx Variant Classification Process June 2021. Collection method: clinical testing. Allele origin: germline. Affected: yes.
Comment: Not observed at significant frequency in large population cohorts (gnomAD); In silico analysis supports that this missense variant does not alter protein structure/function; Has not been previously published as pathogenic or benign to our knowledge

Department of Pathology and Laboratory Medicine, Sinai Health System
Classification: Uncertain significance for Alagille syndrome due to a JAG1 point mutation; Tetralogy of Fallot; Deafness, congenital heart defects, and posterior embryotoxon; Charcot-Marie-Tooth disease, axonal, Type 2HH. Last evaluated: 2021-10-05. Review status: criteria provided, single submitter. Criteria: ACMG Guidelines, 2015. Collection method: research. Allele origin: germline.